The following is an entry in ClinVar:

ClinVar aggregate classification (germline): Uncertain significance (1 of 4 stars; one submission).

Submission:

Labcorp Genetics (formerly Invitae), Labcorp
Classification: Uncertain significance. Last evaluated: 2023-12-13. Review status: criteria provided, single submitter. Criteria: Invitae Variant Classification Sherloc (09022015). Collection method: clinical testing. Allele origin: germline.
Comment: This sequence change replaces aspartic acid, which is acidic and polar, with cysteine, which is neutral and slightly polar, at codon 593 of the FGFR3 protein (p.Asp593Cys). Information on the frequency of this variant in the gnomAD database is not available, as this variant may be reported differently in the database. This variant has not been reported in the literature in individuals affected with FGFR3-related conditions. An algorithm developed to predict the effect of missense changes on protein structure and function (PolyPhen-2) suggests that this variant is likely to be disruptive. In summary, the available evidence is currently insufficient to determine the role of this variant in disease. Therefore, it has been classified as a Variant of Uncertain Significance.

NM_000142.5(FGFR3):c.1777_1778delinsTG (p.Asp593Cys)

Gene: FGFR3 (fibroblast growth factor receptor 3; plus strand). Cytogenetic location: 4p16.3.
Variant type: Indel.
Coding change: c.1777_1778delinsTG on transcript NM_000142.5 (MANE Select); coding-DNA positions 1777 to 1778, GA replaced by TG.
Protein change: p.Asp593Cys; replaces aspartic acid 593 with cysteine.
Molecular consequence: missense variant. On other transcripts: non-coding transcript variant (1).
Genome position (GRCh38, 1-based): chr4:1,805,881-1,805,882, GA replaced by TG. VCF-style: chr4-1805881-GA-TG. GRCh37 (hg19) VCF-style: chr4-1807608-GA-TG.
Other names: c.1783_1784delinsTG, p.Asp595Cys (NM_001163213.2); c.1780_1781delinsTG, p.Asp594Cys (NM_001354809.2, NM_001354810.2); c.1441_1442delinsTG, p.Asp481Cys (NM_022965.4); short protein forms D593C, D594C, D481C, D595C.
Identifiers: ClinVar variation 2699276 (VCV002699276.3), dbSNP rs2546830675, ClinGen allele CA2697557053.
Genomic context (GRCh38, chr4:1,805,881, plus strand): 5'-CCGGGCCTGGACTACTCCTTCGACACCTGCAAGCCGCCCGAGGAGCAGCTCACCTTCAAG[GA>TG]CCTGGTGTCCTGTGCCTACCAGGTGGCCCGGGGCATGGAGTACTTGGCCTCCCAGAAGGT-3'
Protein context (NP_000133.1, residues 583-603): KPPEEQLTFK[Asp593Cys]LVSCAYQVAR